The following is an entry in ClinVar:

ClinVar aggregate classification (germline): Conflicting classifications of pathogenicity. Review status: criteria provided, conflicting classifications (1 of 4 stars). 20 submissions from 19 submitters: Pathogenic (7); Likely pathogenic (10); Uncertain significance (2). 1 of the submissions does not count toward it. Last evaluated 2026-09-09.

Conditions:
Progressive familial intrahepatic cholestasis (PFIC). Also called: Progressive family intrahepatic cholestasis; Progressive intrahepatic cholestasis. Identifiers: Orphanet 172, MedGen C0268312, MONDO:0015762.
ABCB4-related disorder. Also called: ABCB4-related disorders; ABCB4-related condition.
Low phospholipid associated cholelithiasis (GBD1). Also called: Gallstone cholecystitis; Gallbladder disease 1. Identifiers: Orphanet 69663, MedGen C2609268, MONDO:0010939, OMIM 600803.
Familial intrahepatic cholestasis. Identifiers: Orphanet 284385, MedGen CN296401, MONDO:0017290.
Cholestasis, intrahepatic, of pregnancy, 3. Identifiers: Orphanet 69665, MedGen C3554241, MONDO:0013995, OMIM 614972.
Progressive familial intrahepatic cholestasis type 3. Also called: Low Gamma-GT Familial Intrahepatic Cholestasis; MDR3 DEFICIENCY. Identifiers: Orphanet 79305, MedGen C1865643, MONDO:0011214, OMIM 602347.
Progressive familial intrahepatic cholestasis type 1. Also called: BYLER DISEASE; Severe ATP8B1 Deficiency (Progressive Familial Intrahepatic Cholestasis Type 1 [PFIC1]); Byler's disease. Identifiers: Orphanet 79306, MedGen C4551898, MONDO:0008892, OMIM 211600.

Allele frequency attached by ClinVar (database versions not stated): ESP Exome Variant Server 0.00008; gnomAD 0.00009 and 0.00013; 1000 Genomes Project 30x 0.00016; ExAC 0.00018; gnomAD exomes 0.00019 and 0.00020; TOPMed 0.00019; 1000 Genomes Project 0.00020.
gnomAD v4.1: 311 of 1,614,190 alleles (0.019%); highest among the groups gnomAD compares: Middle Eastern, 0.13%; 1 homozygote.

Submissions 1 to 10 of 20:

PreventionGenetics, part of Exact Sciences
Classification: Likely pathogenic for ABCB4-related condition. Last evaluated: 2026-09-09. Review status: criteria provided, single submitter. Criteria: ACMG Guidelines, 2015. Collection method: clinical testing. Allele origin: germline.
Comment: The ABCB4 c.1529A>G variant is predicted to result in the amino acid substitution p.Asn510Ser. This variant has been reported in the heterozygous state in at least one individual with intrahepatic cholestasis of pregnancy (ICP) and in multiple individuals with low phospholipid associated cholelithiasis (LPAC); this variant has also been reported along with a second pathogenic or likely pathogenic variant in ABCB4, in the compound or presumed compound heterozygous state, in individuals with low phospholipid associated cholelithiasis (LPAC) or progressive familial intrahepatic cholestasis (PFIC) (Anzivino et al. 2013. PubMed ID: 23022423; Poupon et al. 2013. PubMed ID: 23533021; Falcão et al. 2021. PubMed ID: 34376370; Delaunay et al. 2015. PubMed ID: 26474921; Davit-Spraul et al. 2010. PubMed ID: 20422496; Stalke et al. 2017. PubMed ID: 28776642). In vitro functional studies suggest the p.Asn510Ser variant causes reduced protein stability (Delaunay et al. 2015. PubMed ID: 26474921). This variant is reported in 0.062% of alleles in individuals of South Asian descent in gnomAD. This variant is interpreted as likely pathogenic.

Genomenon, Inc
Classification: Likely pathogenic for Familial intrahepatic cholestasis; Low phospholipid associated cholelithiasis. Last evaluated: 2026-04-14. Review status: criteria provided, single submitter. Criteria: Genomenon Sequence Variant Interpretation Standards - Updated. Collection method: curation. Allele origin: germline. Affected: yes.
Comment: ABCB4 p.Asn510Ser (c.1529A>G) is a missense variant that changes the amino acid at residue 510 from Asparagine to Serine. This variant has been observed in at least one proband with an ABCB4-related disorder (PMID:37818704;37566928;37208429;35535061;35288833;34376370;32917322;28776642;23533021;26474921;23022423;23684896). The variant was found to segregate with disease in at least one affected family (PMID:34376370). It has been observed in trans with a pathogenic or likely pathogenic variant (PMID:34376370). Functional studies have been reported (PMID:26474921). In conclusion, we classify ABCB4 p.Asn510Ser (c.1529A>G) as a likely pathogenic variant.

Labcorp Genetics (formerly Invitae), Labcorp
Classification: Likely pathogenic. Last evaluated: 2026-01-11. Review status: criteria provided, single submitter. Criteria: Invitae Variant Classification Sherloc (09022015). Collection method: clinical testing. Allele origin: germline.
Comment: This sequence change replaces asparagine, which is neutral and polar, with serine, which is neutral and polar, at codon 510 of the ABCB4 protein (p.Asn510Ser). This variant is present in population databases (rs375315619, gnomAD 0.06%), including at least one homozygous and/or hemizygous individual. This missense change has been observed in individuals with autosomal recessive progressive familial intrahepatic cholestasis type 3 and/or intrahepatic cholestasis of pregnancy (PMID: 23022423, 23533021, 26324191, 26474921, 28776642, 32581362, 32917322, 34376370). ClinVar contains an entry for this variant (Variation ID: 291252). Invitae Evidence Modeling of protein sequence and biophysical properties (such as structural, functional, and spatial information, amino acid conservation, physicochemical variation, residue mobility, and thermodynamic stability) indicates that this missense variant is expected to disrupt ABCB4 protein function with a positive predictive value of 80%. Studies have shown that this missense change alters ABCB4 gene expression (PMID: 26474921). In summary, the currently available evidence indicates that the variant is pathogenic, but additional data are needed to prove that conclusively. Therefore, this variant has been classified as Likely Pathogenic.

GeneDx
Classification: Uncertain significance. Last evaluated: 2025-07-13. Review status: criteria provided, single submitter. Criteria: GeneDx Variant Classification Process June 2021. Collection method: clinical testing. Allele origin: germline. Affected: yes.
Comment: Identified in the heterozygous state in patients with ABCB4-related disorders in the published literature (PMID: 37566928, 26324191, 23684896, 23533021, 35288833); In silico analysis supports that this missense variant has a deleterious effect on protein structure/function; This variant is associated with the following publications: (PMID: 26474921, 23022423, 25807286, 34426522, 39945383, 19467940, 23533021, 28776642, 35288833, 37208429, 32581362, 32917322, 23684896, 34376370, 39872042, 35535061, 26324191, 37566928, 20422496)

First Genomix Gene Laboratory, Genetic Diagnostics Department
Classification: Likely pathogenic for Cholestasis, intrahepatic, of pregnancy, 3; Progressive familial intrahepatic cholestasis type 3; Low phospholipid associated cholelithiasis. Last evaluated: 2025-05-23. Review status: criteria provided, single submitter. Criteria: ACMG Guidelines, 2015. Collection method: clinical testing. Allele origin: germline. Inheritance: Autosomal recessive inheritance. Affected: no. Observed: 1 variant allele.

Women's Health and Genetics/Laboratory Corporation of America, LabCorp
Classification: Pathogenic for Progressive familial intrahepatic cholestasis. Last evaluated: 2025-05-02. Review status: criteria provided, single submitter. Criteria: LabCorp Variant Classification Summary - May 2015. Collection method: clinical testing. Allele origin: germline.
Comment: Variant summary: ABCB4 c.1529A>G (p.Asn510Ser) results in a conservative amino acid change located in the first ATP-binding domain (IPR003439) of the encoded protein sequence. Algorithms developed to predict the effect of missense changes on protein structure and function are either unavailable or do not agree on the potential impact of this missense change. The variant allele was found at a frequency of 0.0002 in 251250 control chromosomes, predominantly at a frequency of 0.00062 within the South Asian subpopulation in the gnomAD database, including 1 homozygotes. This frequency is not significantly higher than estimated for a pathogenic variant in ABCB4 causing Familial Intrahepatic Cholestasis (0.0002 vs 0.0022), allowing no conclusion about variant significance. c.1529A>G has been observed in multiple individuals affected with Familial Intrahepatic Cholestasis or Intrahepatic Cholestasis of Pregnancy (e.g., Anzivino_2013, Delaunay_2016, Stalke_2018, Falcao_2022, Zollner_2023). These data indicate that the variant is very likely to be associated with disease. At least one publication reports experimental evidence evaluating an impact on protein function, and demonstrated decreased protein stability (Delaunay_2016). The following publications have been ascertained in the context of this evaluation (PMID: 28776642, 26474921, 28587926, 32917322, 26324191, 32626542, 19467940, 34376370, 35288833, 23022423, 37208429). ClinVar contains an entry for this variant (Variation ID: 291252). Based on the evidence outlined above, the variant was classified as pathogenic.

Genetics and Genomic Medicine Centre, NeuroGen Healthcare, NeuroGen Healthcare
Classification: Likely pathogenic for Cholestasis, intrahepatic, of pregnancy, 3. Last evaluated: 2025-03-03. Review status: criteria provided, single submitter. Criteria: ACMG Guidelines, 2015. Collection method: clinical testing. Allele origin: unknown. Affected: no.

Genomic Medicine Center of Excellence, King Faisal Specialist Hospital and Research Centre
Classification: Pathogenic for Progressive familial intrahepatic cholestasis type 3. Last evaluated: 2025-01-04. Review status: criteria provided, single submitter. Criteria: ACMG Guidelines, 2015. Collection method: clinical testing. Allele origin: germline.

Blueprint Genetics
Classification: Likely pathogenic for ABCB4-related disorders. Last evaluated: 2024-11-06. Review status: criteria provided, single submitter. Criteria: ACMG Guidelines, 2015. Collection method: clinical testing. Allele origin: germline. Affected: yes. Observed: 5 variant alleles.

CeGaT Center for Human Genetics Tuebingen
Classification: Pathogenic. Last evaluated: 2024-08-01. Review status: criteria provided, single submitter. Criteria: CeGaT Center For Human Genetics Tuebingen Variant Classification Criteria Version 2. Collection method: clinical testing. Allele origin: germline. Affected: yes. Observed: 8 variant alleles.
Comment: ABCB4: PM3:Very Strong, PM2, PP4, PS3:Supporting

NM_000443.4(ABCB4):c.1529A>G (p.Asn510Ser)

Gene: ABCB4 (ATP binding cassette subfamily B member 4; minus strand). Cytogenetic location: 7q21.12.
Variant type: single nucleotide variant.
Coding change: c.1529A>G on transcript NM_000443.4 (MANE Select); coding-DNA position 1529, A replaced by G.
Protein change: p.Asn510Ser; replaces asparagine 510 with serine.
Molecular consequence: missense variant.
Genome position (GRCh38, 1-based): chr7:87,440,230, T>C on the plus strand (A>G on the coding strand, the complement: ABCB4 is on the minus strand). VCF-style: chr7-87440230-T-C. GRCh37 (hg19) VCF-style: chr7-87069546-T-C.
Other names: c.1529A>G, p.Asn510Ser (NM_018849.3, NM_018850.3); short protein forms N510S.
Identifiers: ClinVar variation 291252 (VCV000291252.73), dbSNP rs375315619, ClinGen allele CA4327275.